The following is an entry in ClinVar:

NC_000005.9:g.(?_33944753)_(35089722_?)dup

Genes: AGXT2 (alanine--glyoxylate aminotransferase 2; minus strand), AMACR (alpha-methylacyl-CoA racemase; minus strand), BRIX1 (biogenesis of ribosomes BRX1; plus strand), C1QTNF3 (C1q and TNF related 3; minus strand), DNAJC21 (DnaJ heat shock protein family (Hsp40) member C21; plus strand) and 5 more. Cytogenetic location: 5p13.2.
Variant type: Duplication.
Identifiers: ClinVar variation 1433583 (VCV001433583.4).

ClinVar aggregate classification (germline): Uncertain significance (1 of 4 stars; one submission).

Conditions:
Alpha-methylacyl-CoA racemase deficiency (AMACRD). Also called: AMACR deficiency. Identifiers: Orphanet 79095, MedGen C3280428, MONDO:0013681, OMIM 614307. Disease mechanism: loss of function.

Submission:

Labcorp Genetics (formerly Invitae), Labcorp
Classification: Uncertain significance for Alpha-methylacyl-CoA racemase deficiency. Last evaluated: 2022-10-13. Review status: criteria provided, single submitter. Criteria: Invitae Variant Classification Sherloc (09022015). Collection method: clinical testing. Allele origin: germline.
Comment: A copy number gain of the genomic region encompassing the full coding sequence of the AMACR gene has been identified. The boundaries of this event are unknown as they extend beyond the assayed region for this gene and therefore may encompass additional genes. As the precise location of this event is unknown, it may be in tandem or it may be located elsewhere in the genome. This variant has not been reported in the literature in individuals affected with AMACR-related conditions. In summary, the available evidence is currently insufficient to determine the role of this variant in disease. Therefore, it has been classified as a Variant of Uncertain Significance.